The following is an entry in ClinVar:

ClinVar aggregate classification (germline): Uncertain significance (1 of 4 stars; one submission).

Conditions:
Idiopathic generalized epilepsy. Also called: EIG; Generalised epilepsy. Identifiers: MedGen C0270850, MONDO:0005579, OMIM 600669.

Submission:

Labcorp Genetics (formerly Invitae), Labcorp
Classification: Uncertain significance for Idiopathic generalized epilepsy. Last evaluated: 2021-04-02. Review status: criteria provided, single submitter. Criteria: Invitae Variant Classification Sherloc (09022015). Collection method: clinical testing. Allele origin: germline.
Comment: This variant has not been reported in the literature in individuals with RBFOX3-related conditions. In summary, the available evidence is currently insufficient to determine the role of this variant in disease. Therefore, it has been classified as a Variant of Uncertain Significance. Algorithms developed to predict the effect of missense changes on protein structure and function are either unavailable or do not agree on the potential impact of this missense change (SIFT: "Deleterious"; PolyPhen-2: "Benign"; Align-GVGD: "Class C0"). This variant is not present in population databases (ExAC no frequency). This sequence change replaces glycine with arginine at codon 202 of the RBFOX3 protein (p.Gly202Arg). The glycine residue is moderately conserved and there is a moderate physicochemical difference between glycine and arginine.

NM_001350451.2(RBFOX3):c.604G>A (p.Gly202Arg)

Gene: RBFOX3 (RNA binding fox-1 homolog 3; minus strand). Cytogenetic location: 17q25.3.
Variant type: single nucleotide variant.
Coding change: c.604G>A on transcript NM_001350451.2 (MANE Select); coding-DNA position 604, G replaced by A.
Protein change: p.Gly202Arg; replaces glycine 202 with arginine.
Molecular consequence: missense variant.
Genome position (GRCh38, 1-based): chr17:79,097,710, C>T on the plus strand (G>A on the coding strand, the complement: RBFOX3 is on the minus strand). VCF-style: chr17-79097710-C-T. GRCh37 (hg19) VCF-style: chr17-77093792-C-T.
Other names: c.604G>A, p.Gly202Arg (NM_001082575.3, NM_001350453.2, NM_001385804.1 and 33 more transcripts); c.601G>A, p.Gly201Arg (NM_001385806.1, NM_001385822.1, NM_001385823.1 and 4 more transcripts); c.511G>A, p.Gly171Arg (NM_001385824.1); c.625G>A, p.Gly209Arg (NM_001385827.1); c.457G>A, p.Gly153Arg (NM_001385847.1); short protein forms G171R, G201R, G209R, G202R, G153R.
Identifiers: ClinVar variation 1521146 (VCV001521146.8), dbSNP rs775017222, ClinGen allele CA401316671.
Genomic context (GRCh38, chr17:79,097,710, plus strand): 5'-GTAGCTGGTCTCATCCCATCCCCGCCCCGCCCCAGCTTTTACCTGCATAGAATTCAGGCC[C>T]GTAGACTGCGCCGACCACTGGATTTAGCTTCCAGCCTAAAACAAAGGCACAGAGACCTAG-3'
Protein context (NP_001337380.1, residues 192-212): KLNPVVGAVY[Gly202Arg]PEFYAVTGFP